The following is an entry in ClinVar:

ClinVar aggregate classification (germline): Uncertain significance. Review status: criteria provided, multiple submitters, no conflicts (2 of 4 stars). 3 submissions from 3 submitters: Uncertain significance (3). Last evaluated 2024-08-30.

Conditions:
Hereditary cancer-predisposing syndrome. Also called: Tumor predisposition; Neoplastic Syndromes, Hereditary; Hereditary Cancer Syndrome; Hereditary neoplastic syndrome. Identifiers: Orphanet 140162, MedGen C0027672, MeSH D009386, MONDO:0015356.
Cardiovascular phenotype. Identifiers: MedGen CN230736.

Submissions (3):

Ambry Genetics
Classification: Uncertain significance for Cardiovascular phenotype; Hereditary cancer-predisposing syndrome. Last evaluated: 2024-08-30. Review status: criteria provided, single submitter. Criteria: Ambry Variant Classification Scheme 2023. Collection method: clinical testing. Allele origin: germline.
Comment: The p.R125P variant (also known as c.374G>C), located in coding exon 4 of the NF1 gene, results from a G to C substitution at nucleotide position 374. The arginine at codon 125 is replaced by proline, an amino acid with dissimilar properties. This amino acid position is conserved. In addition, this alteration is predicted to be deleterious by in silico analysis. Based on the available evidence, the clinical significance of this variant remains unclear.

GeneDx
Classification: Uncertain significance. Last evaluated: 2024-04-30. Review status: criteria provided, single submitter. Criteria: GeneDx Variant Classification Process June 2021. Collection method: clinical testing. Allele origin: germline. Affected: yes.
Comment: Not observed at significant frequency in large population cohorts (gnomAD); In silico analysis indicates that this missense variant does not alter protein structure/function; Has not been previously published as pathogenic or benign to our knowledge

Blueprint Genetics
Classification: Uncertain significance. Last evaluated: 2023-01-11. Review status: criteria provided, single submitter. Criteria: ACMG Guidelines, 2015. Collection method: clinical testing. Allele origin: germline.

NM_001042492.3(NF1):c.374G>C (p.Arg125Pro)

Gene: NF1 (neurofibromin 1; plus strand). Cytogenetic location: 17q11.2.
Variant type: single nucleotide variant.
Coding change: c.374G>C on transcript NM_001042492.3 (MANE Select); coding-DNA position 374, G replaced by C.
Protein change: p.Arg125Pro; replaces arginine 125 with proline.
Molecular consequence: missense variant.
Genome position (GRCh38, 1-based): chr17:31,163,271, G>C. VCF-style: chr17-31163271-G-C. GRCh37 (hg19) VCF-style: chr17-29490289-G-C.
Other names: c.374G>C, p.Arg125Pro (NM_000267.4, NM_001128147.3); short protein forms R125P.
Identifiers: ClinVar variation 2574426 (VCV002574426.4), dbSNP rs149003051, ClinGen allele CA398981814.
Genomic context (GRCh38, chr17:31,163,271, plus strand): 5'-ATGAAACGATGCTGGTCAAACAGTTGCTGCCAGAAATCTGCCATTTTCTTCACACCTGTC[G>C]TGAAGGAAACCAGCATGCAGCTGAACTTCGGAATTCTGCCTCTGGGGTTTTATTTTCTCT-3'
Protein context (NP_001035957.1, residues 115-135): PEICHFLHTC[Arg125Pro]EGNQHAAELR